The following is an entry in ClinVar:

ClinVar aggregate classification (germline): Benign/Likely benign. Review status: criteria provided, multiple submitters, no conflicts (2 of 4 stars). 4 submissions from 4 submitters: Benign (2); Likely benign (2). Last evaluated 2025-11-03.

Allele frequency attached by ClinVar (database versions not stated): gnomAD exomes 0.00017 and 0.00049; ExAC 0.00062; gnomAD 0.00174 and 0.00179; TOPMed 0.00200; ESP Exome Variant Server 0.00223; 1000 Genomes Project 0.00319; 1000 Genomes Project 30x 0.00328.
gnomAD v4.1: 521 of 1,613,794 alleles (0.032%); highest among the groups gnomAD compares: African/African-American, 0.57%; 3 homozygotes.

Submissions (4):

Labcorp Genetics (formerly Invitae), Labcorp
Classification: Benign. Last evaluated: 2025-11-03. Review status: criteria provided, single submitter. Criteria: Invitae Variant Classification Sherloc (09022015). Collection method: clinical testing. Allele origin: germline.

Blueprint Genetics
Classification: Likely benign. Last evaluated: 2024-11-06. Review status: criteria provided, single submitter. Criteria: ACMG Guidelines, 2015. Collection method: clinical testing. Allele origin: germline.

CeGaT Center for Human Genetics Tuebingen
Classification: Likely benign. Last evaluated: 2023-05-01. Review status: criteria provided, single submitter. Criteria: CeGaT Center For Human Genetics Tuebingen Variant Classification Criteria Version 2. Collection method: clinical testing. Allele origin: germline. Affected: yes. Observed: 1 variant allele.
Comment: VAC14: BP4, BP7, BS2

Breakthrough Genomics
Classification: Benign. Review status: criteria provided, single submitter. Criteria: ACMG Guidelines, 2015. Collection method: not provided. Allele origin: germline. Inheritance: Autosomal recessive inheritance. Affected: yes.

NM_018052.5(VAC14):c.612G>A (p.Ser204=)

Gene: VAC14 (VAC14 component of PIKFYVE complex; minus strand). Cytogenetic location: 16q22.1.
Variant type: single nucleotide variant.
Coding change: c.612G>A on transcript NM_018052.5 (MANE Select); coding-DNA position 612, G replaced by A.
Protein change: p.Ser204=; no amino-acid change (serine 204 retained).
Molecular consequence: synonymous variant. On other transcripts: 5 prime UTR variant (1).
Genome position (GRCh38, 1-based): chr16:70,783,537, C>T on the plus strand (G>A on the coding strand, the complement: VAC14 is on the minus strand). VCF-style: chr16-70783537-C-T. GRCh37 (hg19) VCF-style: chr16-70817440-C-T.
Other names: c.-91G>A (NM_001351157.2).
Identifiers: ClinVar variation 790711 (VCV000790711.35), dbSNP rs144822178, ClinGen allele CA8148011.
Genomic context (GRCh38, chr16:70,783,537, plus strand): 5'-GATCTGGAAGAGTCCATCCAGGATCTCCGGCAGGTAATCCAGCAGGTTAATGTCTGGCAC[C>T]GACTCCAGAACCAGGATCTGACCAGGGGAAGGGAACAGGAGGGGAAGTCAGCTCCAGAAC-3'
Protein context (NP_060522.3, residues 194-214): FIISWILVLE[Ser204=]VPDINLLDYL